The following is an entry in ClinVar:

NM_002529.4(NTRK1):c.1039C>G (p.Arg347Gly)

Gene: NTRK1 (neurotrophic receptor tyrosine kinase 1; plus strand). Cytogenetic location: 1q23.1.
Variant type: single nucleotide variant.
Coding change: c.1039C>G on transcript NM_002529.4 (MANE Select); coding-DNA position 1039, C replaced by G.
Protein change: p.Arg347Gly; replaces arginine 347 with glycine.
Molecular consequence: missense variant.
Genome position (GRCh38, 1-based): chr1:156,873,821, C>G. VCF-style: chr1-156873821-C-G. GRCh37 (hg19) VCF-style: chr1-156843613-C-G.
Other names: c.949C>G, p.Arg317Gly (NM_001007792.1); c.1039C>G, p.Arg347Gly (NM_001012331.2); short protein forms R317G, R347G.
Identifiers: ClinVar variation 526725 (VCV000526725.10), dbSNP rs561243137, ClinGen allele CA342936056.

ClinVar aggregate classification (germline): Uncertain significance. Review status: criteria provided, multiple submitters, no conflicts (2 of 4 stars). 4 submissions from 4 submitters: Uncertain significance (3). 1 of the submissions does not count toward it. Last evaluated 2023-04-11.

Conditions:
Hereditary insensitivity to pain with anhidrosis (CIPA). Also called: INSENSITIVITY TO PAIN, CONGENITAL, WITH ANHIDROSIS; FAMILIAL DYSAUTONOMIA, TYPE II; NEUROPATHY, CONGENITAL SENSORY, WITH ANHIDROSIS; hereditary sensory and autonomic neuropathy type 4; NTRK1 Congenital Insensitivity to Pain with Anhidrosis; HSAN Type IV. Identifiers: Orphanet 642, MedGen C0020074, MONDO:0009746, OMIM 256800.
Inborn genetic diseases. Identifiers: MedGen C0950123, MeSH D030342.

Allele frequency attached by ClinVar (database versions not stated): TOPMed 0.00001.
gnomAD v4.1: 12 of 1,612,020 alleles (0.00074%); highest among the groups gnomAD compares: African/African-American, 0.0027%; no homozygotes.

Submissions (4):

Genome-Nilou Lab
Classification: Uncertain significance for Hereditary insensitivity to pain with anhidrosis. Last evaluated: 2023-04-11. Review status: criteria provided, single submitter. Criteria: ACMG Guidelines, 2015. Collection method: clinical testing. Allele origin: germline. Affected: no.

Ambry Genetics
Classification: Uncertain significance for Inborn genetic diseases. Last evaluated: 2021-09-11. Review status: criteria provided, single submitter. Criteria: Ambry Variant Classification Scheme 2023. Collection method: clinical testing. Allele origin: germline.
Comment: The p.R347G variant (also known as c.1039C>G), located in coding exon 8 of the NTRK1 gene, results from a C to G substitution at nucleotide position 1039. The arginine at codon 347 is replaced by glycine, an amino acid with dissimilar properties. This amino acid position is conserved. In addition, this alteration is predicted to be tolerated by in silico analysis. Since supporting evidence is limited at this time, the clinical significance of this alteration remains unclear.

Labcorp Genetics (formerly Invitae), Labcorp
Classification: Uncertain significance for Hereditary insensitivity to pain with anhidrosis. Last evaluated: 2021-08-28. Review status: criteria provided, single submitter. Criteria: Invitae Variant Classification Sherloc (09022015). Collection method: clinical testing. Allele origin: germline.

Natera, Inc.
Classification: Uncertain significance for Hereditary insensitivity to pain with anhidrosis. Last evaluated: 2019-11-11. Review status: no assertion criteria provided. Collection method: clinical testing. Allele origin: germline. Not counted in ClinVar's aggregate classification.